The following is an entry in ClinVar:

ClinVar aggregate classification (germline): Uncertain significance (1 of 4 stars; one submission).

Conditions:
Combined immunodeficiency due to STK4 deficiency (IMD110). Also called: STK4 DEFICIENCY; MST1 DEFICIENCY; T-cell immunodeficiency, recurrent infections, and autoimmunity with or without cardiac malformations. Identifiers: Orphanet 314689, MedGen C3553943, MONDO:0013934, OMIM 614868.

Submission:

Labcorp Genetics (formerly Invitae), Labcorp
Classification: Uncertain significance for Combined immunodeficiency due to STK4 deficiency. Last evaluated: 2024-12-10. Review status: criteria provided, single submitter. Criteria: Invitae Variant Classification Sherloc (09022015). Collection method: clinical testing. Allele origin: germline.
Comment: This sequence change replaces arginine, which is basic and polar, with cysteine, which is neutral and slightly polar, at codon 304 of the STK4 protein (p.Arg304Cys). This variant is present in population databases (rs201208315, gnomAD 0.006%). This variant has not been reported in the literature in individuals affected with STK4-related conditions. Invitae Evidence Modeling of protein sequence and biophysical properties (such as structural, functional, and spatial information, amino acid conservation, physicochemical variation, residue mobility, and thermodynamic stability) indicates that this missense variant is not expected to disrupt STK4 protein function with a negative predictive value of 95%. In summary, the available evidence is currently insufficient to determine the role of this variant in disease. Therefore, it has been classified as a Variant of Uncertain Significance.

NM_006282.5(STK4):c.910C>T (p.Arg304Cys)

Gene: STK4 (serine/threonine kinase 4; plus strand). Cytogenetic location: 20q13.12.
Variant type: single nucleotide variant.
Coding change: c.910C>T on transcript NM_006282.5 (MANE Select); coding-DNA position 910, C replaced by T.
Protein change: p.Arg304Cys; replaces arginine 304 with cysteine.
Molecular consequence: missense variant.
Genome position (GRCh38, 1-based): chr20:45,000,470, C>T. VCF-style: chr20-45000470-C-T. GRCh37 (hg19) VCF-style: chr20-43629111-C-T.
Other names: c.910C>T, p.Arg304Cys (NM_001352385.2); short protein forms R304C.
Identifiers: ClinVar variation 3730655 (VCV003730655.2).
Genomic context (GRCh38, chr20:45,000,470, plus strand): 5'-GCCAAAGGAGTGTCAATACTGCGAGACTTAATTAATGAAGCCATGGATGTGAAACTGAAA[C>T]GCCAGGAATCCCAGCAGCGGGAAGTGGACCAGGACGATGAAGAAAACTCAGTGAGTGGCA-3'
Protein context (NP_006273.1, residues 294-314): INEAMDVKLK[Arg304Cys]QESQQREVDQ